The following is an entry in ClinVar:

NM_003000.3(SDHB):c.690C>A (p.Arg230=)

Gene: SDHB (succinate dehydrogenase complex iron sulfur subunit B; minus strand). Cytogenetic location: 1p36.13.
Variant type: single nucleotide variant.
Coding change: c.690C>A on transcript NM_003000.3 (MANE Select); coding-DNA position 690, C replaced by A.
Protein change: p.Arg230=; no amino-acid change (arginine 230 retained).
Molecular consequence: synonymous variant.
Genome position (GRCh38, 1-based): chr1:17,022,683, G>T on the plus strand (C>A on the coding strand, the complement: SDHB is on the minus strand). VCF-style: chr1-17022683-G-T. GRCh37 (hg19) VCF-style: chr1-17349178-G-T.
Other names: c.636C>A, p.Arg212= (NM_001407361.1).
Identifiers: ClinVar variation 2953496 (VCV002953496.5), dbSNP rs2101513863, ClinGen allele CA416082047.

ClinVar aggregate classification (germline): Benign/Likely benign. Review status: criteria provided, multiple submitters, no conflicts (2 of 4 stars). 3 submissions from 3 submitters: Benign (1); Likely benign (2). Last evaluated 2025-03-13.

Conditions:
Pheochromocytoma/paraganglioma syndrome 4. Also called: CAROTID BODY TUMORS AND MULTIPLE EXTRAADRENAL PHEOCHROMOCYTOMAS; PARAGANGLIOMA, FAMILIAL MALIGNANT; PARAGANGLIOMAS, HEREDITARY EXTRAADRENAL; PHEOCHROMOCYTOMA, FAMILIAL EXTRAADRENAL; Paragangliomas 4; SDHB-Related Hereditary Paraganglioma-Pheochromocytoma Syndrome (Paragangliomas 4). Identifiers: Orphanet 29072, MedGen C1861848, MONDO:0007273, OMIM 115310.
Pheochromocytoma. Also called: MAX-Related Hereditary Paraganglioma-Pheochromocytoma Syndrome. Identifiers: Orphanet 29072, MedGen C0031511, MONDO:0008233, OMIM 171300, HP:0002666.
Gastrointestinal stromal tumor. Also called: Gastrointestinal stromal tumor, somatic; Gastrointestinal stroma tumor. Identifiers: Orphanet 44890, MedGen C0238198, MeSH D046152, MONDO:0011719, OMIM 606764, HP:0100723.
Hereditary cancer-predisposing syndrome. Also called: Neoplastic Syndromes, Hereditary; Hereditary neoplastic syndrome; Tumor predisposition; Hereditary Cancer Syndrome. Identifiers: Orphanet 140162, MedGen C0027672, MeSH D009386, MONDO:0015356.

Submissions (3):

Myriad Genetics, Inc.
Classification: Benign for Pheochromocytoma/paraganglioma syndrome 4. Last evaluated: 2025-03-13. Review status: criteria provided, single submitter. Criteria: Myriad Autosomal Dominant, Autosomal Recessive and X-Linked Classification Criteria (2023). Collection method: clinical testing. Allele origin: unknown.
Comment: This variant is considered benign. This variant is a silent/synonymous amino acid change and it is not expected to impact splicing.

Ambry Genetics
Classification: Likely benign for Hereditary cancer-predisposing syndrome. Last evaluated: 2024-05-23. Review status: criteria provided, single submitter. Criteria: Ambry Variant Classification Scheme 2023. Collection method: clinical testing. Allele origin: germline.

Labcorp Genetics (formerly Invitae), Labcorp
Classification: Likely benign for Gastrointestinal stromal tumor; Pheochromocytoma/paraganglioma syndrome 4; Pheochromocytoma. Last evaluated: 2023-11-02. Review status: criteria provided, single submitter. Criteria: Invitae Variant Classification Sherloc (09022015). Collection method: clinical testing. Allele origin: germline.